The following is an entry in ClinVar:

NM_001190716.2(DNM2):c.2544-3_2544-1del

Gene: DNM2 (dynamin 2; plus strand). Cytogenetic location: 19p13.2.
Variant type: Microsatellite.
Coding change: c.2544-3_2544-1del on transcript NM_001190716.2; 3 bases into the intron before coding-DNA position 2544 through the canonical splice acceptor site of the intron before coding-DNA position 2544, 3 bases deleted (CAG; older notation c.2544-3_2544-1delCAG).
Molecular consequence: splice acceptor variant.
Genome position (GRCh38, 1-based): chr19:10,830,978-10,830,980, CAG deleted; deleting any 3 consecutive bases within chr19:10,830,974-10,830,980 gives the same sequence; the c. name uses the placement nearest the transcript's 3' end. VCF-style (leftmost placement, unchanged base first): chr19-10830973-TGCA-T. GRCh37 (hg19) VCF-style: chr19-10941649-TGCA-T.
Identifiers: ClinVar variation 571187 (VCV000571187.10), ClinGen allele CA891843869.

ClinVar aggregate classification (germline): Uncertain significance (1 of 4 stars; one submission).

Conditions:
Charcot-Marie-Tooth disease dominant intermediate B (CMTDIB). Also called: Charcot-Marie-Tooth disease dominant intermediate 1; CMT DI1; Charcot-Marie-Tooth disease dominant intermediate I; CHARCOT-MARIE-TOOTH NEUROPATHY, DOMINANT INTERMEDIATE B. Identifiers: Orphanet 100044, Orphanet 228179, MedGen C1847902, MONDO:0011674, OMIM 606482.

Submission:

Labcorp Genetics (formerly Invitae), Labcorp
Classification: Uncertain significance for Charcot-Marie-Tooth disease dominant intermediate B. Last evaluated: 2018-01-22. Review status: criteria provided, single submitter. Criteria: Invitae Variant Classification Sherloc (09022015). Collection method: clinical testing. Allele origin: germline.
Comment: This variant, c.2544_2546delCAG, results in the deletion of 1 amino acid of the DNM2 protein (p.Ser848del), but otherwise preserves the integrity of the reading frame. In summary, the available evidence is currently insufficient to determine the role of this variant in disease. Therefore, it has been classified as a Variant of Uncertain Significance. Experimental studies and prediction algorithms are not available for this variant, and the functional significance of the deleted amino acid is currently unknown. This variant has not been reported in the literature in individuals with DNM2-related disease. This variant is not present in population databases (ExAC no frequency).